The following is an entry in ClinVar:

ClinVar aggregate classification (germline): Uncertain significance (1 of 4 stars; one submission).

Submission:

Labcorp Genetics (formerly Invitae), Labcorp
Classification: Uncertain significance. Last evaluated: 2023-07-25. Review status: criteria provided, single submitter. Criteria: Invitae Variant Classification Sherloc (09022015). Collection method: clinical testing. Allele origin: germline.
Comment: This sequence change replaces histidine, which is basic and polar, with tyrosine, which is neutral and polar, at codon 1283 of the CLTC protein (p.His1283Tyr). This variant is not present in population databases (gnomAD no frequency). This variant has not been reported in the literature in individuals affected with CLTC-related conditions. Advanced modeling of protein sequence and biophysical properties (such as structural, functional, and spatial information, amino acid conservation, physicochemical variation, residue mobility, and thermodynamic stability) performed at Invitae indicates that this missense variant is not expected to disrupt CLTC protein function. In summary, the available evidence is currently insufficient to determine the role of this variant in disease. Therefore, it has been classified as a Variant of Uncertain Significance.

NM_004859.4(CLTC):c.3835C>T (p.His1279Tyr)

Gene: CLTC (clathrin heavy chain; plus strand). Cytogenetic location: 17q23.1.
Variant type: single nucleotide variant.
Coding change: c.3835C>T on transcript NM_004859.4 (MANE Select); coding-DNA position 3835, C replaced by T.
Protein change: p.His1279Tyr; replaces histidine 1279 with tyrosine.
Molecular consequence: missense variant.
Genome position (GRCh38, 1-based): chr17:59,682,976, C>T. VCF-style: chr17-59682976-C-T. GRCh37 (hg19) VCF-style: chr17-57760337-C-T.
Other names: c.3847C>T, p.His1283Tyr (NM_001288653.2); short protein forms H1283Y, H1279Y.
Identifiers: ClinVar variation 2746315 (VCV002746315.3), dbSNP rs2509153885, ClinGen allele CA400419263.